The following is an entry in ClinVar:

ClinVar aggregate classification (germline): Likely benign (1 of 4 stars; one submission).

Allele frequency attached by ClinVar (database versions not stated): 1000 Genomes Project 30x 0.00265; 1000 Genomes Project 0.00319; gnomAD 0.00610; ExAC 0.00654; ESP Exome Variant Server 0.00736; gnomAD exomes 0.00865.
gnomAD v4.1: 13,563 of 1,609,234 alleles (0.84%); highest among the groups gnomAD compares: Middle Eastern, 1.1%; 110 homozygotes.

Submission:

CeGaT Center for Human Genetics Tuebingen
Classification: Likely benign. Last evaluated: 2023-10-01. Review status: criteria provided, single submitter. Criteria: CeGaT Center For Human Genetics Tuebingen Variant Classification Criteria Version 2. Collection method: clinical testing. Allele origin: germline. Affected: yes. Observed: 10 variant alleles.
Comment: AHNAK2: BP4, BS2

NM_138420.4(AHNAK2):c.6757G>C (p.Gly2253Arg)

Gene: AHNAK2 (AHNAK nucleoprotein 2; minus strand). Cytogenetic location: 14q32.33.
Variant type: single nucleotide variant.
Coding change: c.6757G>C on transcript NM_138420.4 (MANE Select); coding-DNA position 6757, G replaced by C.
Protein change: p.Gly2253Arg; replaces glycine 2253 with arginine.
Molecular consequence: missense variant.
Genome position (GRCh38, 1-based): chr14:104,948,694, C>G on the plus strand (G>C on the coding strand, the complement: AHNAK2 is on the minus strand). VCF-style: chr14-104948694-C-G. GRCh37 (hg19) VCF-style: chr14-105415031-C-G.
Other names: c.6457G>C, p.Gly2153Arg (NM_001350929.2); short protein forms G2153R, G2253R.
Identifiers: ClinVar variation 2644733 (VCV002644733.24), dbSNP rs10145300, ClinGen allele CA7380945.
Genomic context (GRCh38, chr14:104,948,694, plus strand): 5'-TCACTTCCACCTTGGGGTCTTTTAGGTCCAGCTTGGGGCCCTTGATGTCTATTTCGGGGC[C>G]CTTGAGGTCCACTTTGGGCACCTTGAAACTGGGCATCTGCAGCTTGGGCAGGTGCCCTTT-3'
Protein context (NP_612429.2, residues 2243-2263): SFKVPKVDLK[Gly2253Arg]PEIDIKGPKL